The following is an entry in ClinVar:

ClinVar aggregate classification (germline): Uncertain significance (1 of 4 stars; one submission).

Conditions:
Inborn genetic diseases. Identifiers: MedGen C0950123, MeSH D030342.

Submission:

Ambry Genetics
Classification: Uncertain significance for Inborn genetic diseases. Last evaluated: 2025-11-17. Review status: criteria provided, single submitter. Criteria: Ambry Variant Classification Scheme 2023. Collection method: clinical testing. Allele origin: germline.
Comment: The p.N1048Y variant (also known as c.3142A>T), located in coding exon 14 of the FANCM gene, results from an A to T substitution at nucleotide position 3142. The asparagine at codon 1048 is replaced by tyrosine, an amino acid with dissimilar properties. This amino acid position is conserved. In addition, this alteration is predicted to be tolerated by in silico analysis. Based on the available evidence, the clinical significance of this variant remains unclear.

NM_020937.4(FANCM):c.3142A>T (p.Asn1048Tyr)

Gene: FANCM (FA complementation group M; plus strand). Cytogenetic location: 14q21.2.
Variant type: single nucleotide variant.
Coding change: c.3142A>T on transcript NM_020937.4 (MANE Select); coding-DNA position 3142, A replaced by T.
Protein change: p.Asn1048Tyr; replaces asparagine 1048 with tyrosine.
Molecular consequence: missense variant.
Genome position (GRCh38, 1-based): chr14:45,175,896, A>T. VCF-style: chr14-45175896-A-T. GRCh37 (hg19) VCF-style: chr14-45645099-A-T.
Other names: c.3064A>T, p.Asn1022Tyr (NM_001308133.2); short protein forms N1048Y, N1022Y.
Identifiers: ClinVar variation 4619591 (VCV004619591.1).